The following is an entry in ClinVar:

ClinVar aggregate classification (germline): Uncertain significance (1 of 4 stars; one submission).

Submission:

GeneDx
Classification: Uncertain significance. Last evaluated: 2026-02-04. Review status: criteria provided, single submitter. Criteria: GeneDx Variant Classification Process June 2021. Collection method: clinical testing. Allele origin: germline.
Comment: Not observed at significant frequency in large population cohorts (gnomAD); In silico analysis suggests that this missense variant does not alter protein structure/function; Has not been previously published as pathogenic or benign to our knowledge

NM_013436.5(NCKAP1):c.953A>G (p.Asn318Ser)

Gene: NCKAP1 (NCK associated protein 1; minus strand). Cytogenetic location: 2q32.1.
Variant type: single nucleotide variant.
Coding change: c.953A>G on transcript NM_013436.5 (MANE Select); coding-DNA position 953, A replaced by G.
Protein change: p.Asn318Ser; replaces asparagine 318 with serine.
Molecular consequence: missense variant.
Genome position (GRCh38, 1-based): chr2:182,986,222, T>C on the plus strand (A>G on the coding strand, the complement: NCKAP1 is on the minus strand). VCF-style: chr2-182986222-T-C. GRCh37 (hg19) VCF-style: chr2-183850950-T-C.
Other names: c.947A>G, p.Asn316Ser (NM_001437266.1); c.965A>G, p.Asn322Ser (NM_001437267.1); c.971A>G, p.Asn324Ser (NM_205842.3); short protein forms N316S, N318S, N322S, N324S.
Identifiers: ClinVar variation 4975961 (VCV004975961.1).